The following is an entry in ClinVar:

NM_153006.3(NAGS):c.1393del (p.Arg465fs)

Gene: NAGS (N-acetylglutamate synthase; plus strand). Cytogenetic location: 17q21.31.
Variant type: Deletion.
Coding change: c.1393del on transcript NM_153006.3 (MANE Select); coding-DNA position 1393, one base deleted (C; older notation c.1393delC).
Protein change: p.Arg465fs; shifts the reading frame from arginine 465.
Molecular consequence: frameshift variant.
Genome position (GRCh38, 1-based): chr17:44,007,715, C deleted. VCF-style (leftmost placement, unchanged base first): chr17-44007714-GC-G. GRCh37 (hg19) VCF-style: chr17-42085082-GC-G.
Other names: c.1393delC (NM_153006.2); short protein forms R465fs.
Identifiers: ClinVar variation 3582089 (VCV003582089.2).

ClinVar aggregate classification (germline): Likely pathogenic. Review status: criteria provided, multiple submitters, no conflicts (2 of 4 stars). 2 submissions from 2 submitters: Likely pathogenic (2). Last evaluated 2024-04-12.

Conditions:
Hyperammonemia, type III (NAGSD). Also called: Hyperammonemia due to N-acetylglutamate synthase deficiency. Identifiers: Orphanet 927, MedGen C0268543, MONDO:0009377, OMIM 237310.

Submissions (2):

Natera, Inc.
Classification: Likely pathogenic for Hyperammonemia type III. Last evaluated: 2024-04-12. Review status: criteria provided, single submitter. Criteria: Natera Variant Classification Schema (03/2026). Collection method: clinical testing. Allele origin: germline.
Comment: The c.1393delC variant in NAGS is a frameshift variant predicted to elongate the protein beyond the termination codon. This variant is expected to result in nonsense mediated decay, truncation, or a dysfunctional protein product. This variant is rare in the general population with a frequency below the threshold expected for the associated phenotype(s). Given the available evidence, this variant is classified as Likely Pathogenic.

Fulgent Genetics
Classification: Likely pathogenic for Hyperammonemia, type III. Last evaluated: 2024-03-29. Review status: criteria provided, single submitter. Criteria: ACMG Guidelines, 2015. Collection method: clinical testing. Allele origin: germline.